The following is an entry in ClinVar:

NM_015665.6(AAAS):c.762del (p.Ser255fs)

Gene: AAAS (aladin WD repeat nucleoporin; minus strand). Cytogenetic location: 12q13.13.
Variant type: Deletion.
Coding change: c.762del on transcript NM_015665.6 (MANE Select); coding-DNA position 762, one base deleted (C; older notation c.762delC).
Protein change: p.Ser255fs; shifts the reading frame from serine 255.
Molecular consequence: frameshift variant.
Genome position (GRCh38, 1-based): chr12:53,309,649, G deleted on the plus strand (C on the coding strand, the reverse complement: AAAS is on the minus strand); the first of 5 consecutive G bases (chr12:53,309,649-53,309,653); deleting any one gives the same sequence. VCF-style (leftmost placement, unchanged base first): chr12-53309648-TG-T. GRCh37 (hg19) VCF-style: chr12-53703432-TG-T.
Other names: c.663del, p.Ser222fs (NM_001173466.2); c.762del (NM_015665.5); short protein forms S222fs, S255fs.
Identifiers: ClinVar variation 1323789 (VCV001323789.8), dbSNP rs746057093, ClinGen allele CA6599111.

ClinVar aggregate classification (germline): Pathogenic/Likely pathogenic. Review status: criteria provided, multiple submitters, no conflicts (2 of 4 stars). 3 submissions from 3 submitters: Pathogenic (2); Likely pathogenic (1). Last evaluated 2024-02-16.

Conditions:
Glucocorticoid deficiency with achalasia (AAAS). Also called: AAA syndrome; Allgrove syndrome; Addisonian achalasia syndrome; Triple-A syndrome; Achalasia-addisonianism-alacrimia syndrome; Achalasia-Addisonianism-Alacrima (Triple-A) Syndrome. Identifiers: Orphanet 869, MedGen C0271742, MONDO:0009279, OMIM 231550.

Submissions (3):

Labcorp Genetics (formerly Invitae), Labcorp
Classification: Pathogenic. Last evaluated: 2024-02-16. Review status: criteria provided, single submitter. Criteria: Invitae Variant Classification Sherloc (09022015). Collection method: clinical testing. Allele origin: germline.
Comment: This sequence change creates a premature translational stop signal (p.Ser255Valfs*36) in the AAAS gene. It is expected to result in an absent or disrupted protein product. Loss-of-function variants in AAAS are known to be pathogenic (PMID: 11159947). This variant is present in population databases (rs746057093, gnomAD 0.01%). This premature translational stop signal has been observed in individual(s) with Achalasia-addisonianism-alacrimia syndrome (PMID: 29874194, 31937715). ClinVar contains an entry for this variant (Variation ID: 1323789). For these reasons, this variant has been classified as Pathogenic.

GeneDx
Classification: Pathogenic. Last evaluated: 2023-05-01. Review status: criteria provided, single submitter. Criteria: GeneDx Variant Classification Process June 2021. Collection method: clinical testing. Allele origin: germline. Affected: yes.
Comment: Frameshift variant predicted to result in protein truncation or nonsense mediated decay in a gene for which loss of function is a known mechanism of disease; This variant is associated with the following publications: (PMID: 28371804, 29874194, 31937715)

Revvity Omics, Revvity
Classification: Likely pathogenic for Glucocorticoid deficiency with achalasia. Last evaluated: 2021-04-15. Review status: criteria provided, single submitter. Criteria: ACMG Guidelines, 2015. Collection method: clinical testing. Allele origin: germline.

Literature cited by the submitters: PubMed 11159947 (cited by Labcorp Genetics (formerly Invitae), Labcorp); PubMed 29874194 (cited by Labcorp Genetics (formerly Invitae), Labcorp); PubMed 31937715 (cited by Labcorp Genetics (formerly Invitae), Labcorp).